The following is an entry in ClinVar:

ClinVar aggregate classification (germline): Likely benign. Review status: criteria provided, single submitter (1 of 4 stars). 2 submissions from 2 submitters: Likely benign (1). 1 of the submissions does not count toward it. Last evaluated 2025-11-14.

Conditions:
C8B-related disorder. Also called: C8B-related condition.

Allele frequency attached by ClinVar (database versions not stated): gnomAD exomes 0.00002; ExAC 0.00008; ESP Exome Variant Server 0.00015; gnomAD 0.00021; TOPMed 0.00027.
gnomAD v4.1: 56 of 1,612,152 alleles (0.0035%); highest among the groups gnomAD compares: African/African-American, 0.071%; no homozygotes.

Submissions (2):

Labcorp Genetics (formerly Invitae), Labcorp
Classification: Likely benign. Last evaluated: 2025-11-14. Review status: criteria provided, single submitter. Criteria: Invitae Variant Classification Sherloc (09022015). Collection method: clinical testing. Allele origin: germline.

PreventionGenetics, part of Exact Sciences
Classification: Likely benign for C8B-related condition. Last evaluated: 2023-03-21. Review status: no assertion criteria provided. Collection method: clinical testing. Allele origin: germline. Not counted in ClinVar's aggregate classification.
Comment: This variant is classified as likely benign based on ACMG/AMP sequence variant interpretation guidelines (Richards et al. 2015 PMID: 25741868, with internal and published modifications).

NM_000066.4(C8B):c.1770C>T (p.Cys590=)

Gene: C8B (complement C8 beta chain; minus strand). Cytogenetic location: 1p32.2.
Variant type: single nucleotide variant.
Coding change: c.1770C>T on transcript NM_000066.4 (MANE Select); coding-DNA position 1770, C replaced by T.
Protein change: p.Cys590=; no amino-acid change (cysteine 590 retained).
Molecular consequence: synonymous variant.
Genome position (GRCh38, 1-based): chr1:56,929,410, G>A on the plus strand (C>T on the coding strand, the complement: C8B is on the minus strand). VCF-style: chr1-56929410-G-A. GRCh37 (hg19) VCF-style: chr1-57395083-G-A.
Other names: c.1614C>T, p.Cys538= (NM_001278543.2); c.1584C>T, p.Cys528= (NM_001278544.2); c.1770C>T (NM_000066.3).
Identifiers: ClinVar variation 2054194 (VCV002054194.6), dbSNP rs143486016, ClinGen allele CA875525.